The following is an entry in ClinVar:

NM_001134831.2(AHI1):c.2282C>T (p.Ser761Leu)

Gene: AHI1 (Abelson helper integration site 1; minus strand). Cytogenetic location: 6q23.3.
Variant type: single nucleotide variant.
Coding change: c.2282C>T on transcript NM_001134831.2 (MANE Select); coding-DNA position 2282, C replaced by T.
Protein change: p.Ser761Leu; replaces serine 761 with leucine.
Molecular consequence: missense variant.
Genome position (GRCh38, 1-based): chr6:135,431,299, G>A on the plus strand (C>T on the coding strand, the complement: AHI1 is on the minus strand). VCF-style: chr6-135431299-G-A. GRCh37 (hg19) VCF-style: chr6-135752437-G-A.
Other names: c.2282C>T, p.Ser761Leu (NM_001134830.2, NM_001134832.2, NM_001350503.2 and 2 more transcripts); short protein forms S761L.
Identifiers: ClinVar variation 194664 (VCV000194664.20), dbSNP rs794727174, ClinGen allele CA240759.

ClinVar aggregate classification (germline): Conflicting classifications of pathogenicity. Review status: criteria provided, conflicting classifications (1 of 4 stars). 8 submissions from 8 submitters: Likely pathogenic (1); Uncertain significance (6). 1 of the submissions does not count toward it. Last evaluated 2026-08-28.

Conditions:
Joubert syndrome 3 (JBTS3). Also called: AHI1-related Ciliopathy. Identifiers: Orphanet 220493, MedGen C1837713, MONDO:0012078, OMIM 608629.
Joubert syndrome. Also called: Familial aplasia of the vermis; JOUBERT-BOLTSHAUSER SYNDROME. Identifiers: Orphanet 475, MedGen C5979921, MONDO:0018772.

gnomAD v4.1: 4 of 1,595,962 alleles (0.00025%); highest among the groups gnomAD compares: East Asian, 0.0022%; no homozygotes.

Submissions (8):

Myriad Genetics, Inc.
Classification: Uncertain significance for Joubert syndrome 3. Last evaluated: 2026-08-28. Review status: criteria provided, single submitter. Criteria: Myriad Autosomal Dominant, Autosomal Recessive and X-Linked Classification Criteria (2023). Collection method: clinical testing. Allele origin: unknown.
Comment: NM_001134831.1(AHI1):c.2282C>T(S761L) is a missense variant classified as a variant of uncertain significance in the context of Joubert syndrome, AHI1-related. S761L has been observed in a case with relevant disease (PMID: 25616960). Relevant functional assessments of this variant are not available in the literature. S761L has been observed in referenced population frequency databases. In summary, there is insufficient evidence to classify NM_001134831.1(AHI1):c.2282C>T(S761L) as pathogenic or benign. Please note: this variant was assessed in the context of healthy population screening.

Genomic Medicine Center of Excellence, King Faisal Specialist Hospital and Research Centre
Classification: Likely pathogenic for Joubert syndrome 3. Last evaluated: 2025-09-10. Review status: criteria provided, single submitter. Criteria: ACMG Guidelines, 2015. Collection method: clinical testing. Allele origin: germline.

GeneDx
Classification: Uncertain significance. Last evaluated: 2022-09-28. Review status: criteria provided, single submitter. Criteria: GeneDx Variant Classification Process June 2021. Collection method: clinical testing. Allele origin: germline. Affected: yes.
Comment: Observed in homozygous state in siblings with retinitis pigmentosa, however, these siblings were homozygous for an additional variant in AHI1 which may have also contributed to the clinical features (Elsayed et al., 2015); In silico analysis supports that this missense variant has a deleterious effect on protein structure/function; Not observed at significant frequency in large population cohorts (gnomAD); This variant is associated with the following publications: (PMID: 25616960, 16453322, 28442542)

Labcorp Genetics (formerly Invitae), Labcorp
Classification: Uncertain significance for Joubert syndrome. Last evaluated: 2022-01-15. Review status: criteria provided, single submitter. Criteria: Invitae Variant Classification Sherloc (09022015). Collection method: clinical testing. Allele origin: germline.
Comment: This sequence change replaces serine, which is neutral and polar, with leucine, which is neutral and non-polar, at codon 761 of the AHI1 protein (p.Ser761Leu). The frequency data for this variant in the population databases is considered unreliable, as metrics indicate poor data quality at this position in the gnomAD database. This missense change has been observed in individual(s) with Joubert syndrome (PMID: 25616960). ClinVar contains an entry for this variant (Variation ID: 194664). Advanced modeling of protein sequence and biophysical properties (such as structural, functional, and spatial information, amino acid conservation, physicochemical variation, residue mobility, and thermodynamic stability) performed at Invitae indicates that this missense variant is expected to disrupt AHI1 protein function. In summary, the available evidence is currently insufficient to determine the role of this variant in disease. Therefore, it has been classified as a Variant of Uncertain Significance.

Blueprint Genetics
Classification: Uncertain significance. Last evaluated: 2020-01-23. Review status: criteria provided, single submitter. Criteria: ACMG Guidelines, 2015. Collection method: clinical testing. Allele origin: germline.

Eurofins Ntd Llc (ga)
Classification: Uncertain significance. Last evaluated: 2014-07-18. Review status: criteria provided, single submitter. Criteria: EGL Classification Definitions 2015. Collection method: clinical testing. Allele origin: germline. Observed: 1 variant allele, 1 heterozygote.

Broad Center for Mendelian Genomics, Broad Institute of MIT and Harvard
Classification: Uncertain significance for Joubert syndrome 3. Review status: criteria provided, single submitter. Criteria: ACMG Guidelines, 2015. Collection method: research. Allele origin: germline. Inheritance: Autosomal recessive inheritance. Affected: yes. Observed: 1 variant allele, 1 homozygote. Study: Broad Institute Center for Mendelian Genomics (CMG).
Comment: Our study detected the homozygous p.Ser761Leu variant in one indidivual with Joubert syndrome. It has been previously reported in ClinVar with conflicting pathogenicities (Variant ID: 194664). This variant was initially reported in a heterzygous state in an unaffected parent but was not present in the proband with Joubert syndrome (Valente 2006). Later, two siblings with Joubert syndrome were both found to be homozygous for the p.Ser761Leu variant (Elsayed 2015). None of their unaffected siblings or parents were homozygous for the p.Ser761Leu variant. The two affected siblings were also homozygous for a second variant (Trp1088fs), however that variant is also of uncertain significance (VariantID ID: 2013).This variant has been identified in 1/32462 of Latino chromosomes by the Genome Aggregation Database (gnomAD; dbSNP rs794727174). Although this variant has been seen in the general population, its frequency is not high enough to rule out a pathogenic role. Additionally, this position is noted to be multiallelic in gnomAD (0.01%; dbSNP rs794727174). Computational prediction tools and conservation analyses do not provide strong support for or against an impact to the protein. In summary, the clinical significance of the p.Ser761Leu variant is uncertain.

OMIM
Classification: Pathogenic for JOUBERT SYNDROME 3. Last evaluated: 2015-05-01. Review status: no assertion criteria provided. Collection method: literature only. Allele origin: germline. Not counted in ClinVar's aggregate classification.

Literature cited by the submitters: PubMed 25616960 (cited by 4 submitters); PubMed 16453322 (cited by Broad Center for Mendelian Genomics, Broad Institute of MIT and Harvard and OMIM).